The following is an entry in ClinVar:

NM_006531.5(IFT88):c.1915G>A (p.Ala639Thr)

Gene: IFT88 (intraflagellar transport 88; plus strand). Cytogenetic location: 13q12.11.
Variant type: single nucleotide variant.
Coding change: c.1915G>A on transcript NM_006531.5 (MANE Select); coding-DNA position 1915, G replaced by A.
Protein change: p.Ala639Thr; replaces alanine 639 with threonine.
Molecular consequence: missense variant. On other transcripts: non-coding transcript variant (4).
Genome position (GRCh38, 1-based): chr13:20,644,924, G>A. VCF-style: chr13-20644924-G-A. GRCh37 (hg19) VCF-style: chr13-21219063-G-A.
Other names: c.1942G>A (NM_175605.4); c.1858G>A, p.Ala620Thr (NM_001318491.2, NM_001353575.2); c.1942G>A, p.Ala648Thr (NM_001318493.2, NM_001353565.2, NM_001353566.2 and 2 more transcripts); c.1915G>A, p.Ala639Thr (NM_001353568.2, NM_001353572.2); c.1840G>A, p.Ala614Thr (NM_001353569.2, NM_001353570.2, NM_001353576.2 and 1 more transcripts); c.1813G>A, p.Ala605Thr (NM_001353571.2, NM_001353578.2); c.1771G>A, p.Ala591Thr (NM_001353573.2); c.1756G>A, p.Ala586Thr (NM_001353574.2); and 1 more; short protein forms A428T, A586T, A614T, A648T, A605T, A620T, A639T, A591T.
Identifiers: ClinVar variation 2898898 (VCV002898898.4), dbSNP rs975454884, ClinGen allele CA246522668.

ClinVar aggregate classification (germline): Uncertain significance. Review status: criteria provided, multiple submitters, no conflicts (2 of 4 stars). 2 submissions from 2 submitters: Uncertain significance (2). Last evaluated 2026-04-15.

Conditions:
IFT88-related disorder. Also called: IFT88-related condition.

Allele frequency attached by ClinVar (database versions not stated): gnomAD exomes below 0.00001; gnomAD 0.00001; TOPMed 0.00002.
gnomAD v4.1: 7 of 1,595,976 alleles (0.00044%); highest among the groups gnomAD compares: African/African-American, 0.0013%; no homozygotes.

Submissions (2):

PreventionGenetics, part of Exact Sciences
Classification: Uncertain significance for IFT88-related condition. Last evaluated: 2026-04-15. Review status: criteria provided, single submitter. Criteria: ACMG Guidelines, 2015. Collection method: clinical testing. Allele origin: germline.
Comment: The IFT88 c.1942G>A variant is predicted to result in the amino acid substitution p.Ala648Thr. To our knowledge, this variant has not been reported in the literature or in a large population database (gnomAD), indicating this variant is rare. At this time, the clinical significance of this variant is uncertain due to the absence of conclusive functional and genetic evidence.

Labcorp Genetics (formerly Invitae), Labcorp
Classification: Uncertain significance. Last evaluated: 2023-09-09. Review status: criteria provided, single submitter. Criteria: Invitae Variant Classification Sherloc (09022015). Collection method: clinical testing. Allele origin: germline.
Comment: This sequence change replaces alanine, which is neutral and non-polar, with threonine, which is neutral and polar, at codon 648 of the IFT88 protein (p.Ala648Thr). This variant is not present in population databases (gnomAD no frequency). This variant has not been reported in the literature in individuals affected with IFT88-related conditions. An algorithm developed to predict the effect of missense changes on protein structure and function (PolyPhen-2) suggests that this variant is likely to be disruptive. In summary, the available evidence is currently insufficient to determine the role of this variant in disease. Therefore, it has been classified as a Variant of Uncertain Significance.